The following is an entry in ClinVar:

ClinVar aggregate classification (germline): Benign/Likely benign. Review status: criteria provided, multiple submitters, no conflicts (2 of 4 stars). 8 submissions from 8 submitters: Benign (2); Likely benign (5). 1 of the submissions does not count toward it. Last evaluated 2026-04-01.

Conditions:
SLC1A3-related disorder. Also called: SLC1A3-related condition.
Episodic ataxia type 6. Identifiers: Orphanet 209967, MedGen C2675211, MONDO:0012982, OMIM 612656.

Allele frequency attached by ClinVar (database versions not stated): gnomAD exomes 0.00078 and 0.00023; ExAC 0.00086; 1000 Genomes Project 30x 0.00156; 1000 Genomes Project 0.00160; gnomAD 0.00261 and 0.00272; ESP Exome Variant Server 0.00315; TOPMed 0.00320.
gnomAD v4.1: 755 of 1,614,174 alleles (0.047%); highest among the groups gnomAD compares: African/African-American, 0.82%; 5 homozygotes.

Submissions (8):

CeGaT Center for Human Genetics Tuebingen
Classification: Likely benign. Last evaluated: 2026-04-01. Review status: criteria provided, single submitter. Criteria: CeGaT Center For Human Genetics Tuebingen Variant Classification Criteria Version 2. Collection method: clinical testing. Allele origin: germline. Affected: yes. Observed: 3 variant alleles.
Comment: SLC1A3: BP4, BP7

Labcorp Genetics (formerly Invitae), Labcorp
Classification: Benign. Last evaluated: 2026-01-19. Review status: criteria provided, single submitter. Criteria: Invitae Variant Classification Sherloc (09022015). Collection method: clinical testing. Allele origin: germline.

Blueprint Genetics
Classification: Likely benign. Last evaluated: 2024-11-13. Review status: criteria provided, single submitter. Criteria: ACMG Guidelines, 2015. Collection method: clinical testing. Allele origin: germline.

Athena Diagnostics
Classification: Benign. Last evaluated: 2024-05-21. Review status: criteria provided, single submitter. Criteria: Athena Diagnostics Criteria. Collection method: clinical testing. Allele origin: unknown.

Fulgent Genetics
Classification: Likely benign for Episodic ataxia type 6. Last evaluated: 2022-01-24. Review status: criteria provided, single submitter. Criteria: ACMG Guidelines, 2015. Collection method: clinical testing. Allele origin: unknown.

Eurofins Ntd Llc (ga)
Classification: Likely benign. Last evaluated: 2015-11-18. Review status: criteria provided, single submitter. Criteria: EGL Classification Definitions 2015. Collection method: clinical testing. Allele origin: germline. Observed: 1 variant allele, 1 heterozygote.

Breakthrough Genomics
Classification: Likely benign. Review status: criteria provided, single submitter. Criteria: ACMG Guidelines, 2015. Collection method: not provided. Allele origin: germline. Inheritance: Autosomal dominant inheritance. Affected: yes.

PreventionGenetics, part of Exact Sciences
Classification: Likely benign for SLC1A3-related condition. Last evaluated: 2024-08-07. Review status: no assertion criteria provided. Collection method: clinical testing. Allele origin: germline. Not counted in ClinVar's aggregate classification.
Comment: This variant is classified as likely benign based on ACMG/AMP sequence variant interpretation guidelines (Richards et al. 2015 PMID: 25741868, with internal and published modifications).

NM_004172.5(SLC1A3):c.1489T>C (p.Leu497=)

Genes: SLC1A3 (solute carrier family 1 member 3; plus strand), SLC1A3-AS1 (SLC1A3 antisense RNA 1; minus strand). Cytogenetic location: 5p13.2.
Variant type: single nucleotide variant.
Coding change: c.1489T>C on transcript NM_004172.5 (MANE Select); coding-DNA position 1489, T replaced by C.
Protein change: p.Leu497=; no amino-acid change (leucine 497 retained).
Molecular consequence: synonymous variant.
Genome position (GRCh38, 1-based): chr5:36,686,129, T>C. VCF-style: chr5-36686129-T-C. GRCh37 (hg19) VCF-style: chr5-36686231-T-C.
Other names: c.1354T>C, p.Leu452= (NM_001166695.3); c.1351T>C, p.Leu451= (NM_001289939.2); c.1153T>C, p.Leu385= (NM_001289940.2).
Identifiers: ClinVar variation 284665 (VCV000284665.43), dbSNP rs150357327, ClinGen allele CA3235694.